The following is an entry in ClinVar:

ClinVar aggregate classification (germline): Uncertain significance. Review status: criteria provided, multiple submitters, no conflicts (2 of 4 stars). 2 submissions from 2 submitters: Uncertain significance (2). Last evaluated 2019-07-09.

Conditions:
Developmental and epileptic encephalopathy, 1 (DEE1). Also called: INFANTILE SPASM SYNDROME, X-LINKED 1; Tonic spasms with clustering, arrest of psychomotor development and hypsarrhythmia on EEG; X-Linked Infantile Spasm Syndrome; X-linked infantile spasms; West's syndrome; OHTAHARA SYNDROME, X-LINKED. Identifiers: MedGen C3463992, MONDO:0010632, OMIM 308350. Disease mechanism: loss of function.
Autosomal recessive spinocerebellar ataxia 12. Also called: SPINOCEREBELLAR ATAXIA WITH MENTAL RETARDATION AND EPILEPSY. Identifiers: Orphanet 284282, MedGen C3280452, MONDO:0013687, OMIM 614322.
Global developmental delay (DD). Also called: Cognitive delay. Identifiers: MedGen C0557874, HP:0001263. Disease mechanism: loss of function.

Allele frequency attached by ClinVar (database versions not stated): TOPMed 0.00001.
gnomAD v4.1: 3 of 1,614,006 alleles (0.00019%); highest among the groups gnomAD compares: Non-Finnish European, 0.00025%; no homozygotes.

Submissions (2):

Labcorp Genetics (formerly Invitae), Labcorp
Classification: Uncertain significance for Developmental and epileptic encephalopathy, 1; Autosomal recessive spinocerebellar ataxia 12. Last evaluated: 2019-07-09. Review status: criteria provided, single submitter. Criteria: Invitae Variant Classification Sherloc (09022015). Collection method: clinical testing. Allele origin: germline.
Comment: This sequence change replaces arginine with glycine at codon 408 of the WWOX protein (p.Arg408Gly). The arginine residue is weakly conserved and there is a moderate physicochemical difference between arginine and glycine. This variant is present in population databases (rs144234059, ExAC 0.002%). This variant has not been reported in the literature in individuals with WWOX-related conditions. ClinVar contains an entry for this variant (Variation ID: 397630). Algorithms developed to predict the effect of missense changes on protein structure and function output the following: SIFT: "Tolerated"; PolyPhen-2: "Benign"; Align-GVGD: "Class 0". The glycine amino acid residue is found in multiple mammalian species, suggesting that this missense change does not adversely affect protein function. These predictions have not been confirmed by published functional studies and their clinical significance is uncertain. In summary, the available evidence is currently insufficient to determine the role of this variant in disease. Therefore, it has been classified as a Variant of Uncertain Significance.

Claritas Genomics
Classification: Uncertain significance. Last evaluated: 2017-02-21. Review status: criteria provided, single submitter. Criteria: ACMG Guidelines, 2015. Collection method: clinical testing. Allele origin: germline. Affected: yes.

NM_016373.4(WWOX):c.1222C>G (p.Arg408Gly)

Genes: MAF (MAF bZIP transcription factor; minus strand), WWOX (WW domain containing oxidoreductase; plus strand). Cytogenetic location: 16q23.2.
Variant type: single nucleotide variant.
Coding change: c.1222C>G on transcript NM_016373.4 (MANE Select); coding-DNA position 1222, C replaced by G.
Protein change: p.Arg408Gly; replaces arginine 408 with glycine.
Molecular consequence: missense variant.
Genome position (GRCh38, 1-based): chr16:79,211,773, C>G. VCF-style: chr16-79211773-C-G. GRCh37 (hg19) VCF-style: chr16-79245670-C-G.
Other names: c.883C>G, p.Arg295Gly (NM_001291997.2); short protein forms R408G, R295G.
Identifiers: ClinVar variation 397630 (VCV000397630.10), dbSNP rs144234059, ClinGen allele CA8183798.
Genomic context (GRCh38, chr16:79,211,773, plus strand): 5'-GCTCAGAGCGAAGAGACGGCCCGGACCCTGTGGGCGCTCAGCGAGAGGCTGATCCAAGAA[C>G]GGCTTGGCAGCCAGTCCGGCTAAGTGGAGCTCAGAGCGGATGGGCACACACACCCGCCCT-3'
Protein context (NP_057457.1, residues 398-414): WALSERLIQE[Arg408Gly]LGSQSG